The following is an entry in ClinVar:

ClinVar aggregate classification (germline): Uncertain significance (1 of 4 stars; one submission).

Conditions:
DICER1-related tumor predisposition. Also called: DICER1-related pleuropulmonary blastoma cancer predisposition syndrome; DICER1 syndrome. Identifiers: Orphanet 284343, MedGen C3839822, MONDO:0100216.

Submission:

Labcorp Genetics (formerly Invitae), Labcorp
Classification: Uncertain significance for DICER1-related tumor predisposition. Last evaluated: 2019-03-30. Review status: criteria provided, single submitter. Criteria: Invitae Variant Classification Sherloc (09022015). Collection method: clinical testing. Allele origin: germline.
Comment: In summary, the available evidence is currently insufficient to determine the role of this variant in disease. Therefore, it has been classified as a Variant of Uncertain Significance. Algorithms developed to predict the effect of missense changes on protein structure and function are either unavailable or do not agree on the potential impact of this missense change (SIFT: "Tolerated"; PolyPhen-2: "Probably Damaging"; Align-GVGD: "Class C0"). This variant has not been reported in the literature in individuals with DICER1-related conditions. This variant is not present in population databases (ExAC no frequency). This sequence change replaces methionine with isoleucine at codon 775 of the DICER1 protein (p.Met775Ile). The methionine residue is highly conserved and there is a small physicochemical difference between methionine and isoleucine.

NM_177438.3(DICER1):c.2325G>T (p.Met775Ile)

Gene: DICER1 (dicer 1, ribonuclease III; minus strand). Cytogenetic location: 14q32.13.
Variant type: single nucleotide variant.
Coding change: c.2325G>T on transcript NM_177438.3 (MANE Select); coding-DNA position 2325, G replaced by T.
Protein change: p.Met775Ile; replaces methionine 775 with isoleucine.
Molecular consequence: missense variant.
Genome position (GRCh38, 1-based): chr14:95,108,435, C>A on the plus strand (G>T on the coding strand, the complement: DICER1 is on the minus strand). VCF-style: chr14-95108435-C-A. GRCh37 (hg19) VCF-style: chr14-95574772-C-A.
Other names: c.2325G>T, p.Met775Ile (NM_001195573.1, NM_001271282.3, NM_001291628.2 and 1 more transcripts); short protein forms M775I.
Identifiers: ClinVar variation 946860 (VCV000946860.10), dbSNP rs1595382279, ClinGen allele CA390882288.